The following is an entry in ClinVar:

NM_001005242.3(PKP2):c.749G>A (p.Arg250His)

Gene: PKP2 (plakophilin 2; minus strand). Cytogenetic location: 12p11.21.
Variant type: single nucleotide variant.
Coding change: c.749G>A on transcript NM_001005242.3 (MANE Select); coding-DNA position 749, G replaced by A.
Protein change: p.Arg250His; replaces arginine 250 with histidine.
Molecular consequence: missense variant.
Genome position (GRCh38, 1-based): chr12:32,878,131, C>T on the plus strand (G>A on the coding strand, the complement: PKP2 is on the minus strand). VCF-style: chr12-32878131-C-T. GRCh37 (hg19) VCF-style: chr12-33031065-C-T.
Other names: c.749G>A, p.Arg250His (NM_004572.4); short protein forms R250H.
Identifiers: ClinVar variation 919387 (VCV000919387.12), dbSNP rs369332786, ClinGen allele CA384362788.
Genomic context (GRCh38, chr12:32,878,131, plus strand): 5'-TGCCCGACAGTGAGCCCTGCCGTCAGGTAGTTCTCCTTCTCCAAGAGGTTGCCCATGCTG[C>T]GGCTGGTCCCTGGCCTGGGGTACGTGAGCAGGGCCGGGTTGGCAGGGATGCTGTCAAAAA-3'
Protein context (NP_001005242.2, residues 240-260): LLTYPRPGTS[Arg250His]SMGNLLEKEN

ClinVar aggregate classification (germline): Conflicting classifications of pathogenicity. Review status: criteria provided, conflicting classifications (1 of 4 stars). 4 submissions from 4 submitters: Uncertain significance (1); Likely benign (3). Last evaluated 2024-09-04.

Conditions:
Cardiovascular phenotype. Identifiers: MedGen CN230736.
Arrhythmogenic right ventricular dysplasia 9 (ARVD9). Also called: ARRHYTHMOGENIC RIGHT VENTRICULAR DYSPLASIA, FAMILIAL, 9; Arrhythmogenic Right Ventricular Dysplasia/Cardiomyopathy 9. Identifiers: MedGen C1836906, MONDO:0012180, OMIM 609040.
Cardiomyopathy (CMYO). Also called: Cardiomyopathies. Identifiers: Orphanet 167848, MedGen C0878544, MONDO:0004994, HP:0001638. Inheritance: Various modes of inheritance.

gnomAD v4.1: 29 of 1,614,098 alleles (0.0018%); highest among the groups gnomAD compares: East Asian, 0.0067%; no homozygotes.

Submissions (4):

Color Diagnostics, LLC DBA Color Health
Classification: Likely benign for Cardiomyopathy. Last evaluated: 2024-09-04. Review status: criteria provided, single submitter. Criteria: ACMG Guidelines, 2015. Collection method: clinical testing. Allele origin: germline.

Labcorp Genetics (formerly Invitae), Labcorp
Classification: Uncertain significance for Arrhythmogenic right ventricular dysplasia 9. Last evaluated: 2024-08-31. Review status: criteria provided, single submitter. Criteria: Invitae Variant Classification Sherloc (09022015). Collection method: clinical testing. Allele origin: germline.
Comment: This sequence change replaces arginine, which is basic and polar, with histidine, which is basic and polar, at codon 250 of the PKP2 protein (p.Arg250His). This variant is present in population databases (no rsID available, gnomAD 0.005%). This variant has not been reported in the literature in individuals affected with PKP2-related conditions. ClinVar contains an entry for this variant (Variation ID: 919387). An algorithm developed to predict the effect of missense changes on protein structure and function outputs the following: PolyPhen-2: "Benign". The histidine amino acid residue is found in multiple mammalian species, which suggests that this missense change does not adversely affect protein function. In summary, the available evidence is currently insufficient to determine the role of this variant in disease. Therefore, it has been classified as a Variant of Uncertain Significance.

Ambry Genetics
Classification: Likely benign for Cardiovascular phenotype. Last evaluated: 2021-10-07. Review status: criteria provided, single submitter. Criteria: Ambry Variant Classification Scheme 2023. Collection method: clinical testing. Allele origin: germline.

Juno Genomics, Hangzhou Juno Genomics, Inc
Classification: Likely benign for Arrhythmogenic right ventricular dysplasia 9. Review status: criteria provided, single submitter. Criteria: ACMG Guidelines, 2015. Collection method: clinical testing. Allele origin: germline.
Comment: Absent from controls (or at extremely low frequency if recessive) in Genome Aggregation Database.;Multiple lines of computational evidence suggest no impact on gene or gene product.